The following is an entry in ClinVar:

NM_000219.6(KCNE1):c.300G>A (p.Leu100=)

Gene: KCNE1 (potassium voltage-gated channel subfamily E regulatory subunit 1; minus strand). Cytogenetic location: 21q22.12.
Variant type: single nucleotide variant.
Coding change: c.300G>A on transcript NM_000219.6 (MANE Select); coding-DNA position 300, G replaced by A.
Protein change: p.Leu100=; no amino-acid change (leucine 100 retained).
Molecular consequence: synonymous variant.
Genome position (GRCh38, 1-based): chr21:34,449,335, C>T on the plus strand (G>A on the coding strand, the complement: KCNE1 is on the minus strand). VCF-style: chr21-34449335-C-T. GRCh37 (hg19) VCF-style: chr21-35821633-C-T.
Other names: c.300G>A, p.Leu100= (NM_001127668.4, NM_001127669.4, NM_001127670.4 and 4 more transcripts).
Identifiers: ClinVar variation 3374571 (VCV003374571.2).
Genomic context (GRCh38, chr21:34,449,335, plus strand): 5'-TGTGTTGGGTTGTTCTATGGCCAGATGGTTTTCAACGACATAGCACGACCTGTAGCTCTC[C>T]AGGACCCGGGCCTGGACATAGGCCTTGTCCTTCTCTTGCCAGGCATCGGACTCGATGTAG-3'
Protein context (NP_000210.2, residues 90-110): KDKAYVQARV[Leu100=]ESYRSCYVVE

Conditions:
Long QT syndrome 5 (LQT5). Identifiers: Orphanet 101016, Orphanet 768, MedGen C1867904, MONDO:0013372, OMIM 613695.

Submission:

Roden Lab, Vanderbilt University Medical Center
No classification provided (evidence only). Condition: Long QT syndrome 5. Review status: no classification provided. Collection method: in vitro. Allele origin: not applicable. Functional consequence: Effect on ion channel function.
ClinVar note: "not provided" was previously submitted as the classification for the variant. However, the classification appeared to be based only on an observation of functional data so it was converted to no classification on 2025-07-30.